The following is an entry in ClinVar:

ClinVar aggregate classification (germline): Pathogenic (1 of 4 stars; one submission).

Conditions:
Leukocyte adhesion deficiency 1 (LAD1). Also called: LAD 1; Lymphocyte function-associated antigen 1 immunodeficiency; LFA 1 immunodeficiency; LEUKOCYTE ADHESION DEFICIENCY, TYPE I. Identifiers: Orphanet 2968, Orphanet 99842, MedGen C0398738, MONDO:0007293, OMIM 116920.

Submission:

Labcorp Genetics (formerly Invitae), Labcorp
Classification: Pathogenic for Leukocyte adhesion deficiency 1. Last evaluated: 2022-02-21. Review status: criteria provided, single submitter. Criteria: Invitae Variant Classification Sherloc (09022015). Collection method: clinical testing. Allele origin: germline.
Comment: For these reasons, this variant has been classified as Pathogenic. This variant has not been reported in the literature in individuals affected with ITGB2-related conditions. This variant is not present in population databases (gnomAD no frequency). This sequence change creates a premature translational stop signal (p.Ser457Glnfs*17) in the ITGB2 gene. It is expected to result in an absent or disrupted protein product. Loss-of-function variants in ITGB2 are known to be pathogenic (PMID: 22134107, 25703682).

Literature cited by the submitters: PubMed 22134107; PubMed 25703682.

NM_000211.5(ITGB2):c.1367dup (p.Ser457fs)

Gene: ITGB2 (integrin subunit beta 2; minus strand). Cytogenetic location: 21q22.3.
Variant type: Duplication.
Coding change: c.1367dup on transcript NM_000211.5 (MANE Select); coding-DNA position 1367, one base duplicated (G; older notation c.1367dupG).
Protein change: p.Ser457fs; shifts the reading frame from serine 457.
Molecular consequence: frameshift variant.
Genome position (GRCh38, 1-based): chr21:44,891,854, C duplicated on the plus strand (G on the coding strand, the reverse complement: ITGB2 is on the minus strand). VCF-style (leftmost placement, unchanged base first): chr21-44891853-G-GC. GRCh37 (hg19) VCF-style: chr21-46311768-G-GC.
Other names: c.1367dup, p.Ser457fs (NM_001127491.3); c.1160dup, p.Ser388fs (NM_001303238.2); short protein forms S457fs, S388fs.
Identifiers: ClinVar variation 1454255 (VCV001454255.6), dbSNP rs2146504324, ClinGen allele CA2573157710.